The following is an entry in ClinVar:

ClinVar aggregate classification (germline): Uncertain significance (1 of 4 stars; one submission).

Conditions:
Hereditary cancer-predisposing syndrome. Also called: Neoplastic Syndromes, Hereditary; Hereditary Cancer Syndrome; Hereditary neoplastic syndrome; Tumor predisposition. Identifiers: Orphanet 140162, MedGen C0027672, MeSH D009386, MONDO:0015356.

Submission:

Ambry Genetics
Classification: Uncertain significance for Hereditary cancer-predisposing syndrome. Last evaluated: 2023-04-07. Review status: criteria provided, single submitter. Criteria: Ambry Variant Classification Scheme 2023. Collection method: clinical testing. Allele origin: germline.
Comment: The p.Q1300H variant (also known as c.3900G>T), located in coding exon 23 of the PTCH1 gene, results from a G to T substitution at nucleotide position 3900. The glutamine at codon 1300 is replaced by histidine, an amino acid with highly similar properties. This amino acid position is conserved. In addition, this alteration is predicted to be tolerated by in silico analysis. Since supporting evidence is limited at this time, the clinical significance of this alteration remains unclear.

NM_000264.5(PTCH1):c.3900G>T (p.Gln1300His)

Gene: PTCH1 (patched 1; minus strand). Cytogenetic location: 9q22.32.
Variant type: single nucleotide variant.
Coding change: c.3900G>T on transcript NM_000264.5 (MANE Select); coding-DNA position 3900, G replaced by T.
Protein change: p.Gln1300His; replaces glutamine 1300 with histidine.
Molecular consequence: missense variant. On other transcripts: non-coding transcript variant (1).
Genome position (GRCh38, 1-based): chr9:95,447,356, C>A on the plus strand (G>T on the coding strand, the complement: PTCH1 is on the minus strand). VCF-style: chr9-95447356-C-A. GRCh37 (hg19) VCF-style: chr9-98209638-C-A.
Other names: c.3702G>T, p.Gln1234His (NM_001083602.3); c.3897G>T, p.Gln1299His (NM_001083603.3); c.3447G>T, p.Gln1149His (NM_001083604.3, NM_001083605.3, NM_001083606.3 and 1 more transcripts); c.3744G>T, p.Gln1248His (NM_001354918.2); short protein forms Q1299H, Q1234H, Q1149H, Q1300H, Q1248H.
Identifiers: ClinVar variation 2564372 (VCV002564372.2), dbSNP rs2136582567, ClinGen allele CA374110697.
Genomic context (GRCh38, chr9:95,447,356, plus strand): 5'-TCTGCGCGGTCTGTAGGGGGGTGGCCACAAGCCTTCTCTGGGGGGGTCCCTGCGGGGCTG[C>A]TGGCCTTGCCGTCCGGGAGGCAGGGACCCTGAGTCCAGGTGGGGCTGCTGTCTCGGGTTC-3'
Protein context (NP_000255.2, residues 1290-1310): SGSLPPGRQG[Gln1300His]QPRRDPPREG